The following is an entry in ClinVar:

NM_000836.4(GRIN2D):c.3729C>G (p.Pro1243=)

Gene: GRIN2D (glutamate ionotropic receptor NMDA type subunit 2D; plus strand). Cytogenetic location: 19q13.33.
Variant type: single nucleotide variant.
Coding change: c.3729C>G on transcript NM_000836.4 (MANE Select); coding-DNA position 3729, C replaced by G.
Protein change: p.Pro1243=; no amino-acid change (proline 1243 retained).
Molecular consequence: synonymous variant.
Genome position (GRCh38, 1-based): chr19:48,443,655, C>G. VCF-style: chr19-48443655-C-G. GRCh37 (hg19) VCF-style: chr19-48946912-C-G.
Identifiers: ClinVar variation 734025 (VCV000734025.19), dbSNP rs904509990, ClinGen allele CA309299506.
Genomic context (GRCh38, chr19:48,443,655, plus strand): 5'-GGCCCGCTGCGGGTGCCCGCGGTCGCACCCGCACCGCCCGCGGGCCTCGCACCGCACGCC[C>G]GCCGCCGCCGCGCCCCACCACCACAGGCACCGGCGCGCCGCTGGGGGCTGGGACCTCCCG-3'
Protein context (NP_000827.2, residues 1233-1253): PHRPRASHRT[Pro1243=]AAAAPHHHRH

ClinVar aggregate classification (germline): Likely benign. Review status: criteria provided, multiple submitters, no conflicts (2 of 4 stars). 2 submissions from 2 submitters: Likely benign (2). Last evaluated 2026-01-26.

Allele frequency attached by ClinVar (database versions not stated): gnomAD exomes 0.00010 and 0.00028; 1000 Genomes Project 30x 0.00062; TOPMed 0.00150; gnomAD 0.00173.
gnomAD v4.1: 277 of 1,113,692 alleles (0.025%); highest among the groups gnomAD compares: African/African-American, 0.45%; 1 homozygote.

Submissions (2):

Labcorp Genetics (formerly Invitae), Labcorp
Classification: Likely benign. Last evaluated: 2026-01-26. Review status: criteria provided, single submitter. Criteria: Invitae Variant Classification Sherloc (09022015). Collection method: clinical testing. Allele origin: germline.

CeGaT Center for Human Genetics Tuebingen
Classification: Likely benign. Last evaluated: 2025-07-01. Review status: criteria provided, single submitter. Criteria: CeGaT Center For Human Genetics Tuebingen Variant Classification Criteria Version 2. Collection method: clinical testing. Allele origin: germline. Affected: yes. Observed: 1 variant allele.
Comment: GRIN2D: BP4, BP7